The following is an entry in ClinVar:

ClinVar aggregate classification (germline): Uncertain significance (1 of 4 stars; one submission).

Submission:

Women's Health and Genetics/Laboratory Corporation of America, LabCorp
Classification: Uncertain significance. Last evaluated: 2026-05-05. Review status: criteria provided, single submitter. Criteria: LabCorp Variant Classification Summary - May 2015. Collection method: clinical testing. Allele origin: germline.
Comment: Variant summary: SGPL1 c.1030G>T (p.Val344Leu) results in a conservative amino acid change in the encoded protein sequence. Algorithms developed to predict the effect of missense changes on protein structure and function are either unavailable or do not agree on the potential impact of this missense change. The variant was absent in 251436 control chromosomes. The available data on variant occurrences in the general population are insufficient to allow any conclusion about variant significance. To our knowledge, no occurrence of c.1030G>T in individuals affected with SGPL1-related conditions and no experimental evidence demonstrating its impact on protein function have been reported. No submitters have cited clinical-significance assessments for this variant to ClinVar. Based on the evidence outlined above, the variant was classified as uncertain significance.

NM_003901.4(SGPL1):c.1030G>T (p.Val344Leu)

Gene: SGPL1 (sphingosine-1-phosphate lyase 1; plus strand). Cytogenetic location: 10q22.1.
Variant type: single nucleotide variant.
Coding change: c.1030G>T on transcript NM_003901.4 (MANE Select); coding-DNA position 1030, G replaced by T.
Protein change: p.Val344Leu; replaces valine 344 with leucine.
Molecular consequence: missense variant. On other transcripts: non-coding transcript variant (1).
Genome position (GRCh38, 1-based): chr10:70,871,957, G>T. VCF-style: chr10-70871957-G-T. GRCh37 (hg19) VCF-style: chr10-72631714-G-T.
Other names: c.790G>T, p.Val264Leu (NM_001437828.1); c.1063G>T, p.Val355Leu (NM_001438353.1); c.1030G>T, p.Val344Leu (NM_001438354.1, NM_001438355.1, NM_001438356.1 and 1 more transcripts); short protein forms V264L, V344L, V355L.
Identifiers: ClinVar variation 4853556 (VCV004853556.1).